The following is an entry in ClinVar:

NM_021076.4(NEFH):c.772G>A (p.Glu258Lys)

Gene: NEFH (neurofilament heavy chain; plus strand). Cytogenetic location: 22q12.2.
Variant type: single nucleotide variant.
Coding change: c.772G>A on transcript NM_021076.4 (MANE Select); coding-DNA position 772, G replaced by A.
Protein change: p.Glu258Lys; replaces glutamic acid 258 with lysine.
Molecular consequence: missense variant.
Genome position (GRCh38, 1-based): chr22:29,481,034, G>A. VCF-style: chr22-29481034-G-A. GRCh37 (hg19) VCF-style: chr22-29877023-G-A.
Other names: c.772G>A (NM_021076.3); short protein forms E258K.
Identifiers: ClinVar variation 1435791 (VCV001435791.9), dbSNP rs1019039034, ClinGen allele CA323083174.

ClinVar aggregate classification (germline): Uncertain significance. Review status: criteria provided, multiple submitters, no conflicts (2 of 4 stars). 2 submissions from 2 submitters: Uncertain significance (2). Last evaluated 2025-01-20.

Conditions:
Inborn genetic diseases. Identifiers: MedGen C0950123, MeSH D030342.

Allele frequency attached by ClinVar (database versions not stated): gnomAD 0.00003 and 0.00004; TOPMed 0.00006.
gnomAD v4.1: 7 of 1,531,312 alleles (0.00046%); highest among the groups gnomAD compares: Admixed American, 0.0098%; no homozygotes.

Submissions (2):

Ambry Genetics
Classification: Uncertain significance for Inborn genetic diseases. Last evaluated: 2025-01-20. Review status: criteria provided, single submitter. Criteria: Ambry Variant Classification Scheme 2023. Collection method: clinical testing. Allele origin: germline.

Labcorp Genetics (formerly Invitae), Labcorp
Classification: Uncertain significance. Last evaluated: 2022-03-31. Review status: criteria provided, single submitter. Criteria: Invitae Variant Classification Sherloc (09022015). Collection method: clinical testing. Allele origin: germline.
Comment: In summary, the available evidence is currently insufficient to determine the role of this variant in disease. Therefore, it has been classified as a Variant of Uncertain Significance. Advanced modeling of protein sequence and biophysical properties (such as structural, functional, and spatial information, amino acid conservation, physicochemical variation, residue mobility, and thermodynamic stability) performed at Invitae indicates that this missense variant is not expected to disrupt NEFH protein function. This variant has not been reported in the literature in individuals affected with NEFH-related conditions. This variant is not present in population databases (gnomAD no frequency). This sequence change replaces glutamic acid, which is acidic and polar, with lysine, which is basic and polar, at codon 258 of the NEFH protein (p.Glu258Lys).